The following is an entry in ClinVar:

NM_001130823.3(DNMT1):c.4773+72G>A

Genes: DNMT1 (DNA methyltransferase 1; minus strand), LOC126862853 (CDK7 strongly-dependent group 2 enhancer GRCh37_chr19:10246117-10247316; plus strand). Cytogenetic location: 19p13.2.
Variant type: single nucleotide variant.
Coding change: c.4773+72G>A on transcript NM_001130823.3 (MANE Select); 72 bases into the intron after coding-DNA position 4773, G replaced by A.
Molecular consequence: intron variant.
Genome position (GRCh38, 1-based): chr19:10,135,664, C>T on the plus strand (G>A on the coding strand, the complement: DNMT1 is on the minus strand). VCF-style: chr19-10135664-C-T. GRCh37 (hg19) VCF-style: chr19-10246340-C-T.
Other names: c.4410+72G>A (NM_001318731.2); c.4725+72G>A (NM_001379.4); c.4734+72G>A (NM_001318730.2).
Identifiers: ClinVar variation 2649286 (VCV002649286.24), dbSNP rs747030748, ClinGen allele CA9187419.

ClinVar aggregate classification (germline): Likely benign (1 of 4 stars; one submission).

Allele frequency attached by ClinVar (database versions not stated): gnomAD 0.00002; gnomAD exomes 0.00002; TOPMed 0.00002; ExAC 0.00019.
gnomAD v4.1: 28 of 1,521,288 alleles (0.0018%); highest among the groups gnomAD compares: South Asian, 0.026%; no homozygotes.

Submission:

CeGaT Center for Human Genetics Tuebingen
Classification: Likely benign. Last evaluated: 2023-01-01. Review status: criteria provided, single submitter. Criteria: CeGaT Center For Human Genetics Tuebingen Variant Classification Criteria Version 2. Collection method: clinical testing. Allele origin: germline. Affected: yes. Observed: 1 variant allele.
Comment: DNMT1: BP4, BP7